The following is an entry in ClinVar:

NM_000057.4(BLM):c.3889C>T (p.Pro1297Ser)

Gene: BLM (BLM RecQ like helicase; plus strand). Cytogenetic location: 15q26.1.
Variant type: single nucleotide variant.
Coding change: c.3889C>T on transcript NM_000057.4 (MANE Select); coding-DNA position 3889, C replaced by T.
Protein change: p.Pro1297Ser; replaces proline 1297 with serine.
Molecular consequence: missense variant.
Genome position (GRCh38, 1-based): chr15:90,811,219, C>T. VCF-style: chr15-90811219-C-T. GRCh37 (hg19) VCF-style: chr15-91354449-C-T.
Other names: c.3889C>T, p.Pro1297Ser (NM_001287246.2); c.3496C>T, p.Pro1166Ser (NM_001287247.2); c.2764C>T, p.Pro922Ser (NM_001287248.2); short protein forms P1166S, P1297S, P922S.
Identifiers: ClinVar variation 1735863 (VCV001735863.3), dbSNP rs2505566467, ClinGen allele CA393850424.
Genomic context (GRCh38, chr15:90,811,219, plus strand): 5'-GACCAGTGCGACATCACCTGTAAACATCTGCATTTTCCATTTGTAGCTGAAGACAGTTCC[C>T]CAGGGATAAGCCTGTCCAGCAGCAGAGGCCCCGGAAGAAGTGCCGCTGAGGAGCTCGACG-3'
Protein context (NP_000048.1, residues 1287-1307): EWTSPAEDSS[Pro1297Ser]GISLSSSRGP

ClinVar aggregate classification (germline): Uncertain significance (1 of 4 stars; one submission).

Conditions:
Hereditary cancer-predisposing syndrome. Also called: Neoplastic Syndromes, Hereditary; Tumor predisposition; Hereditary Cancer Syndrome; Hereditary neoplastic syndrome. Identifiers: Orphanet 140162, MedGen C0027672, MeSH D009386, MONDO:0015356.

Submission:

Ambry Genetics
Classification: Uncertain significance for Hereditary cancer-predisposing syndrome. Last evaluated: 2025-09-20. Review status: criteria provided, single submitter. Criteria: Ambry Variant Classification Scheme 2023. Collection method: clinical testing. Allele origin: germline.
Comment: The p.P1297S variant (also known as c.3889C>T), located in coding exon 20 of the BLM gene, results from a C to T substitution at nucleotide position 3889. The proline at codon 1297 is replaced by serine, an amino acid with similar properties. This amino acid position is conserved. In addition, this alteration is predicted to be tolerated by in silico analysis. Since supporting evidence is limited at this time, the clinical significance of this alteration remains unclear.